The following is an entry in ClinVar:

NM_022765.4(MICAL1):c.1307+3A>T

Gene: MICAL1 (microtubule associated monooxygenase, calponin and LIM domain containing 1; minus strand). Cytogenetic location: 6q21.
Variant type: single nucleotide variant.
Coding change: c.1307+3A>T on transcript NM_022765.4 (MANE Select); 3 bases into the intron after coding-DNA position 1307, A replaced by T.
Molecular consequence: intron variant.
Genome position (GRCh38, 1-based): chr6:109,449,967, T>A on the plus strand (A>T on the coding strand, the complement: MICAL1 is on the minus strand). VCF-style: chr6-109449967-T-A. GRCh37 (hg19) VCF-style: chr6-109771170-T-A.
Other names: c.1364+3A>T (NM_001286613.2); c.1049+3A>T (NM_001159291.2).
Identifiers: ClinVar variation 2787730 (VCV002787730.3), dbSNP rs2115333193, ClinGen allele CA2739265944.

ClinVar aggregate classification (germline): Uncertain significance (1 of 4 stars; one submission).

Submission:

Labcorp Genetics (formerly Invitae), Labcorp
Classification: Uncertain significance. Last evaluated: 2023-11-27. Review status: criteria provided, single submitter. Criteria: Invitae Variant Classification Sherloc (09022015). Collection method: clinical testing. Allele origin: germline.
Comment: This sequence change falls in intron 9 of the MICAL1 gene. It does not directly change the encoded amino acid sequence of the MICAL1 protein. It affects a nucleotide within the consensus splice site. This variant is not present in population databases (gnomAD no frequency). This variant has not been reported in the literature in individuals affected with MICAL1-related conditions. Variants that disrupt the consensus splice site are a relatively common cause of aberrant splicing (PMID: 17576681, 9536098). Algorithms developed to predict the effect of sequence changes on RNA splicing suggest that this variant may disrupt the consensus splice site. In summary, the available evidence is currently insufficient to determine the role of this variant in disease. Therefore, it has been classified as a Variant of Uncertain Significance.

Literature cited by the submitters: PubMed 17576681; PubMed 9536098.